The following is an entry in ClinVar:

NM_000018.4(ACADVL):c.1141_1143del (p.Glu381del)

Gene: ACADVL (acyl-CoA dehydrogenase very long chain; plus strand). Cytogenetic location: 17p13.1.
Variant type: Deletion.
Coding change: c.1141_1143del on transcript NM_000018.4 (MANE Select); coding-DNA positions 1141 to 1143, 3 bases deleted (GAG; older notation c.1141_1143delGAG).
Protein change: p.Glu381del; deletes glutamic acid 381.
Molecular consequence: inframe deletion.
Genome position (GRCh38, 1-based): chr17:7,223,196-7,223,198, GAG deleted; deleting any 3 consecutive bases within chr17:7,223,194-7,223,198 gives the same sequence; the c. name uses the placement nearest the transcript's 3' end. VCF-style (leftmost placement, unchanged base first): chr17-7223193-CAGG-C. GRCh37 (hg19) VCF-style: chr17-7126512-CAGG-C.
Other names: NM_000018.4(ACADVL):c.1141_1143del; p.Glu381del; c.1141_1143delGAG (NM_000018.4); c.1075_1077del, p.Glu359del (NM_001033859.3); c.1210_1212del, p.Glu404del (NM_001270447.2); c.913_915del, p.Glu305del (NM_001270448.2); short protein forms E381del, E305del, E404del, E359del.
Identifiers: ClinVar variation 371449 (VCV000371449.14), dbSNP rs1057517281, ClinGen allele CA16041870.

ClinVar aggregate classification (germline): Pathogenic. Review status: reviewed by expert panel (3 of 4 stars). 7 submissions from 7 submitters: Pathogenic (1). 6 of the submissions do not count toward it. Last evaluated 2022-08-09.

Conditions:
Very long chain acyl-CoA dehydrogenase deficiency (ACADVLD). Also called: VLCAD Deficiency; Very Long-Chain Acyl-Coenzyme A Dehydrogenase Deficiency. Identifiers: Orphanet 26793, MedGen C3887523, MONDO:0008723, OMIM 201475.

Submissions (7):

ClinGen ACADVL Variant Curation Expert Panel, ClinGen
Classification: Pathogenic for Very long chain acyl-CoA dehydrogenase deficiency. Last evaluated: 2022-08-09. Review status: reviewed by expert panel. Criteria: clingen acadvl acmg specifications v1. Collection method: curation. Allele origin: germline. Inheritance: Autosomal recessive inheritance.
Comment: The c.1141_1143delGAG variant is predicted to cause a change in the length of the protein due to an in-frame deletion of one amino acid in a non-repeat region (p.Glu381del) (PM4). The variant is reported in multiple individuals affected with very long chain acyl-coA dehydrogenase (VLCAD) deficiency (PMID: 25834949, 24305961, 21814341, 8845838). Six individuals were reported to have both elevated C14:1 levels and reduced VLCAD enzyme activity, which is highly specific for VLCAD deficiency (PP4_moderate; PMIDs: 8845838, 21814341, 24305961, 25834949, 31031081). Of these individuals, one individual was homozygous for this variant, at least two of the individuals also carried an additional pathogenic variant not confirmed in trans, and at least four confirmed in trans to variants not yet curated by the VCEP (PM3; PMID: 24305961, 25834949, 32276429). This variant is absent from gnomAD v2.1.1 (PM2_Supporting). This variant resides within a region of ACADVL that is defined as a critical functional domain for FAD binding and salt-bridge interactions by the ClinGen ACADVL VCEP (PM1; PMID: 20060901). In summary, this variant meets the criteria to be classified as likely pathogenic for autosomal recessive VLCAD deficiency based on the ACMG/AMP criteria applied, as specified by the ClinGen ACADVL Variant Curation Expert Panel: PM1, PM2_supporting, PM3, PM4, PP4_moderate (ACADVL VCEP specifications version 1; approved November 8, 2021).

Labcorp Genetics (formerly Invitae), Labcorp
Classification: Pathogenic for Very long chain acyl-CoA dehydrogenase deficiency. Last evaluated: 2025-10-11. Review status: criteria provided, single submitter. Criteria: Invitae Variant Classification Sherloc (09022015). Collection method: clinical testing. Allele origin: germline. Not counted in ClinVar's aggregate classification.
Comment: This variant, c.1141_1143del, results in the deletion of 1 amino acid(s) of the ACADVL protein (p.Glu381del), but otherwise preserves the integrity of the reading frame. This variant is not present in population databases (gnomAD no frequency). This variant has been observed in individual(s) with very long-chain acyl-CoA dehydrogenase deficiency (PMID: 8845838, 21814341, 31031081). ClinVar contains an entry for this variant (Variation ID: 371449). Studies have shown that this variant alters ACADVL gene expression (PMID: 8845838). For these reasons, this variant has been classified as Pathogenic.

Mayo Clinic Laboratories, Mayo Clinic
Classification: Pathogenic. Last evaluated: 2025-01-29. Review status: criteria provided, single submitter. Criteria: ACMG Guidelines, 2015. Collection method: clinical testing. Allele origin: germline. Observed: 2 variant alleles. Not counted in ClinVar's aggregate classification.
Comment: PP4_moderate, PM1, PM2_supporting, PM3_strong, PM4

Fulgent Genetics
Classification: Pathogenic for Very long chain acyl-CoA dehydrogenase deficiency. Last evaluated: 2024-02-13. Review status: criteria provided, single submitter. Criteria: ACMG Guidelines, 2015. Collection method: clinical testing. Allele origin: germline. Not counted in ClinVar's aggregate classification.

Women's Health and Genetics/Laboratory Corporation of America, LabCorp
Classification: Pathogenic for Very long chain acyl-CoA dehydrogenase deficiency. Last evaluated: 2024-02-12. Review status: criteria provided, single submitter. Criteria: LabCorp Variant Classification Summary - May 2015. Collection method: clinical testing. Allele origin: germline. Not counted in ClinVar's aggregate classification.
Comment: Variant summary: ACADVL c.1141_1143delGAG (p.Glu381del) results in an in-frame deletion that is predicted to remove one amino acid from the encoded protein. The variant was absent in 251488 control chromosomes (gnomAD). c.1141_1143delGAG has been reported in the literature in multiple individuals affected with Very Long Chain Acyl-CoA Dehydrogenase Deficiency (examples: Andresen_1996, Pervaiz_2011, Diekman_2016, Rovelli_2019). These data indicate that the variant is very likely to be associated with disease. The following publications have been ascertained in the context of this evaluation (PMID: 8845838, 26881790, 21814341, 31031081). ClinVar contains an entry for this variant (Variation ID: 371449). Based on the evidence outlined above, the variant was classified as pathogenic.

Baylor Genetics
Classification: Likely pathogenic for Very long chain acyl-CoA dehydrogenase deficiency. Last evaluated: 2024-01-05. Review status: criteria provided, single submitter. Criteria: ACMG Guidelines, 2015. Collection method: clinical testing. Allele origin: unknown. Not counted in ClinVar's aggregate classification.

Counsyl
Classification: Likely pathogenic for Very long chain acyl-CoA dehydrogenase deficiency. Last evaluated: 2016-09-28. Review status: no assertion criteria provided. Collection method: clinical testing. Allele origin: unknown. Not counted in ClinVar's aggregate classification.

Literature cited by the submitters: PubMed 8845838 (cited by 4 submitters); PubMed 21814341 (cited by 4 submitters); PubMed 31031081 (cited by 3 submitters); PubMed 25834949 (cited by Mayo Clinic Laboratories, Mayo Clinic and Counsyl); PubMed 32276429 (cited by Mayo Clinic Laboratories, Mayo Clinic); PubMed 35083221 (cited by Mayo Clinic Laboratories, Mayo Clinic); PubMed 37549443 (cited by Mayo Clinic Laboratories, Mayo Clinic); PubMed 26881790 (cited by Women's Health and Genetics/Laboratory Corporation of America, LabCorp); PubMed 24305961 (cited by Counsyl).